The following is an entry in ClinVar:

NM_001042424.3(NSD2):c.2458C>G (p.Arg820Gly)

Gene: NSD2 (nuclear receptor binding SET domain protein 2; plus strand). Cytogenetic location: 4p16.3.
Variant type: single nucleotide variant.
Coding change: c.2458C>G on transcript NM_001042424.3 (MANE Select); coding-DNA position 2458, C replaced by G.
Protein change: p.Arg820Gly; replaces arginine 820 with glycine.
Molecular consequence: missense variant.
Genome position (GRCh38, 1-based): chr4:1,955,280, C>G. VCF-style: chr4-1955280-C-G. GRCh37 (hg19) VCF-style: chr4-1957007-C-G.
Other names: c.2557C>G, p.Arg853Gly (NM_001440893.1); c.2458C>G, p.Arg820Gly (NM_001440894.1, NM_001440895.1, NM_133330.3 and 3 more transcripts); c.2257C>G, p.Arg753Gly (NM_001440896.1); c.2251C>G, p.Arg751Gly (NM_001440897.1, NM_001440898.1); c.1489C>G, p.Arg497Gly (NM_001440899.1, NM_001440900.1); short protein forms R497G, R751G, R753G, R820G, R853G.
Identifiers: ClinVar variation 4874540 (VCV004874540.2).

ClinVar aggregate classification (germline): Uncertain significance (1 of 4 stars; one submission).

gnomAD v4.1: 1 of 1,614,070 alleles (0.000062%); highest among the groups gnomAD compares: Admixed American, 0.0017%; no homozygotes.

Submission:

CeGaT Center for Human Genetics Tuebingen
Classification: Uncertain significance. Last evaluated: 2026-04-01. Review status: criteria provided, single submitter. Criteria: CeGaT Center For Human Genetics Tuebingen Variant Classification Criteria Version 2. Collection method: clinical testing. Allele origin: germline. Affected: yes. Observed: 1 variant allele.
Comment: NSD2: PM2, BP4